The following is an entry in ClinVar:

NM_024422.6(DSC2):c.1713T>C (p.Asn571=)

Gene: DSC2 (desmocollin 2; minus strand). Cytogenetic location: 18q12.1.
Variant type: single nucleotide variant.
Coding change: c.1713T>C on transcript NM_024422.6 (MANE Select); coding-DNA position 1713, T replaced by C.
Protein change: p.Asn571=; no amino-acid change (asparagine 571 retained).
Molecular consequence: synonymous variant.
Genome position (GRCh38, 1-based): chr18:31,074,858, A>G on the plus strand (T>C on the coding strand, the complement: DSC2 is on the minus strand). VCF-style: chr18-31074858-A-G. GRCh37 (hg19) VCF-style: chr18-28654824-A-G.
Other names: c.1284T>C, p.Asn428= (NM_001406506.1, NM_001406507.1); c.1713T>C, p.Asn571= (NM_004949.5).
Identifiers: ClinVar variation 3070545 (VCV003070545.1), dbSNP rs1986962564, ClinGen allele CA503385179.

ClinVar aggregate classification (germline): Likely benign (1 of 4 stars; one submission).

Conditions:
Familial isolated arrhythmogenic right ventricular dysplasia. Identifiers: Orphanet 217656, MedGen C4274968, MONDO:0016342.

Allele frequency attached by ClinVar (database versions not stated): TOPMed below 0.00001.

Submission:

All of Us Research Program, National Institutes of Health
Classification: Likely benign for Familial isolated arrhythmogenic right ventricular dysplasia. Last evaluated: 2023-04-28. Review status: criteria provided, single submitter. Criteria: ACMG Guidelines, 2015. Collection method: clinical testing. Allele origin: germline. Inheritance: Autosomal dominant inheritance. Observed: 1 variant allele, 1 heterozygote.
Comment: This study involves interpretation of variants in research participants for the purpose of population health screening. Participant phenotype was not available at the time of variant classification. Additional details can be found in publication PMID: 35346344, PMCID: PMC8962531